The following is an entry in ClinVar:

ClinVar aggregate classification (germline): Uncertain significance (1 of 4 stars; one submission).

Conditions:
Ehlers-Danlos syndrome, classic type, 1 (EDSCL1). Also called: EDS I; EHLERS-DANLOS SYNDROME, GRAVIS TYPE; EHLERS-DANLOS SYNDROME, SEVERE CLASSIC TYPE; Ehlers-Danlos syndrome, type 1; Ehlers-Danlos Syndrome, Classic Type, COL5A1-Related. Identifiers: MedGen C0268335, MONDO:0019567, OMIM 130000.

gnomAD v4.1: 2 of 1,614,208 alleles (0.00012%); highest among the groups gnomAD compares: Non-Finnish European, 0.00017%; no homozygotes.

Submission:

Labcorp Genetics (formerly Invitae), Labcorp
Classification: Uncertain significance for Ehlers-Danlos syndrome, classic type, 1. Last evaluated: 2023-08-09. Review status: criteria provided, single submitter. Criteria: Invitae Variant Classification Sherloc (09022015). Collection method: clinical testing. Allele origin: germline.
Comment: This sequence change replaces arginine, which is basic and polar, with glycine, which is neutral and non-polar, at codon 410 of the COL5A1 protein (p.Arg410Gly). This variant is not present in population databases (gnomAD no frequency). This variant has not been reported in the literature in individuals affected with COL5A1-related conditions. Advanced modeling of protein sequence and biophysical properties (such as structural, functional, and spatial information, amino acid conservation, physicochemical variation, residue mobility, and thermodynamic stability) performed at Invitae indicates that this missense variant is not expected to disrupt COL5A1 protein function. In summary, the available evidence is currently insufficient to determine the role of this variant in disease. Therefore, it has been classified as a Variant of Uncertain Significance.

NM_000093.5(COL5A1):c.1228C>G (p.Arg410Gly)

Gene: COL5A1 (collagen type V alpha 1 chain; plus strand). Cytogenetic location: 9q34.3.
Variant type: single nucleotide variant.
Coding change: c.1228C>G on transcript NM_000093.5 (MANE Select); coding-DNA position 1228, C replaced by G.
Protein change: p.Arg410Gly; replaces arginine 410 with glycine.
Molecular consequence: missense variant.
Genome position (GRCh38, 1-based): chr9:134,731,559, C>G. VCF-style: chr9-134731559-C-G. GRCh37 (hg19) VCF-style: chr9-137623405-C-G.
Other names: c.1228C>G, p.Arg410Gly (NM_001278074.1); short protein forms R410G.
Identifiers: ClinVar variation 3015751 (VCV003015751.3), dbSNP rs745360062, ClinGen allele CA375450839.